The following is an entry in ClinVar:

ClinVar aggregate classification (germline): Uncertain significance. Review status: criteria provided, multiple submitters, no conflicts (2 of 4 stars). 2 submissions from 2 submitters: Uncertain significance (2). Last evaluated 2026-01-21.

Conditions:
Rafiq syndrome (RAFQS). Identifiers: Orphanet 88616, MedGen C3280127, MONDO:0013624, OMIM 614202.

Allele frequency attached by ClinVar (database versions not stated): ExAC 0.00002; gnomAD 0.00001.
gnomAD v4.1: 12 of 1,613,828 alleles (0.00074%); highest among the groups gnomAD compares: Middle Eastern, 0.016%; no homozygotes.

Submissions (2):

3billion
Classification: Uncertain significance for Rafiq syndrome. Last evaluated: 2026-01-21. Review status: criteria provided, single submitter. Criteria: ACMG Guidelines, 2015. Collection method: clinical testing. Allele origin: germline. Affected: yes.
Comment: The variant is observed at an extremely low frequency in the gnomAD v4.1.0 dataset (total allele frequency: <0.001%). Predicted Consequence/Location: Missense variant In silico tools predict the variant to alter splicing and produce an abnormal transcript [SpliceAI: 0.21 (>=0.2, moderate evidence for spliceogenicity)]. The variant has been reported as of uncertain significance (ClinVar ID: VCV000452773). Different missense changes at the same codon have been reported as of uncertain significance (ClinVar ID: VCV003122461). Therefore, this variant is classified as VUS according to the recommendation of ACMG/AMP guideline.

GeneDx
Classification: Uncertain significance. Last evaluated: 2017-10-18. Review status: criteria provided, single submitter. Criteria: GeneDx Variant Classification (06012015). Collection method: clinical testing. Allele origin: germline. Affected: yes.
Comment: The A112V variant in the MAN1B1 gene has not been reported previously as a pathogenic variant, nor as a benign variant, to our knowledge. The A112V variant is not observed at a significant frequency in large population cohorts (Lek et al., 2016). The A112V variant is a conservative amino acid substitution, which is not likely to impact secondary protein structure as these residues share similar properties. This substitution occurs at a position that is not conserved. In silico analysis predicts this variant likely does not alter the protein structure/function. We interpret A112V as a variant of uncertain significance.

NM_016219.5(MAN1B1):c.335C>T (p.Ala112Val)

Gene: MAN1B1 (mannosidase alpha class 1B member 1; plus strand). Cytogenetic location: 9q34.3.
Variant type: single nucleotide variant.
Coding change: c.335C>T on transcript NM_016219.5 (MANE Select); coding-DNA position 335, C replaced by T.
Protein change: p.Ala112Val; replaces alanine 112 with valine.
Molecular consequence: missense variant. On other transcripts: non-coding transcript variant (2).
Genome position (GRCh38, 1-based): chr9:137,088,875, C>T. VCF-style: chr9-137088875-C-T. GRCh37 (hg19) VCF-style: chr9-139983327-C-T.
Other names: short protein forms A112V.
Identifiers: ClinVar variation 452773 (VCV000452773.3), dbSNP rs760858034, ClinGen allele CA5358604.